The following is an entry in ClinVar:

ClinVar aggregate classification (germline): Conflicting classifications of pathogenicity. Review status: criteria provided, conflicting classifications (1 of 4 stars). 2 submissions from 2 submitters: Uncertain significance (1); Likely benign (1). Last evaluated 2022-11-07.

Conditions:
Inborn genetic diseases. Identifiers: MedGen C0950123, MeSH D030342.

Allele frequency attached by ClinVar (database versions not stated): ExAC 0.00001; gnomAD 0.00001; TOPMed 0.00001; gnomAD exomes 0.00002 and 0.00009.
gnomAD v4.1: 125 of 1,612,404 alleles (0.0078%); highest among the groups gnomAD compares: Non-Finnish European, 0.01%; no homozygotes.

Submissions (2):

Ambry Genetics
Classification: Likely benign for Inborn genetic diseases. Last evaluated: 2022-11-07. Review status: criteria provided, single submitter. Criteria: Ambry Variant Classification Scheme 2023. Collection method: clinical testing. Allele origin: germline.

CeGaT Center for Human Genetics Tuebingen
Classification: Uncertain significance. Last evaluated: 2022-06-01. Review status: criteria provided, single submitter. Criteria: CeGaT Center For Human Genetics Tuebingen Variant Classification Criteria Version 2. Collection method: clinical testing. Allele origin: germline. Affected: yes. Observed: 1 variant allele.
Comment: HECW2: PP2, BP4

NM_001348768.2(HECW2):c.1829T>C (p.Val610Ala)

Gene: HECW2 (HECT, C2 and WW domain containing E3 ubiquitin protein ligase 2; minus strand). Cytogenetic location: 2q32.3.
Variant type: single nucleotide variant.
Coding change: c.1829T>C on transcript NM_001348768.2 (MANE Select); coding-DNA position 1829, T replaced by C.
Protein change: p.Val610Ala; replaces valine 610 with alanine.
Molecular consequence: missense variant.
Genome position (GRCh38, 1-based): chr2:196,319,061, A>G on the plus strand (T>C on the coding strand, the complement: HECW2 is on the minus strand). VCF-style: chr2-196319061-A-G. GRCh37 (hg19) VCF-style: chr2-197183785-A-G.
Other names: c.1829T>C (NM_020760.1); c.761T>C, p.Val254Ala (NM_001304840.3); c.1829T>C, p.Val610Ala (NM_020760.4); short protein forms V254A, V610A.
Identifiers: ClinVar variation 1695002 (VCV001695002.34), dbSNP rs79185455, ClinGen allele CA2038249.